The following is an entry in ClinVar:

NM_000338.3(SLC12A1):c.1316G>A (p.Arg439Gln)

Gene: SLC12A1 (solute carrier family 12 member 1; plus strand). Cytogenetic location: 15q21.1.
Variant type: single nucleotide variant.
Coding change: c.1316G>A on transcript NM_000338.3 (MANE Select); coding-DNA position 1316, G replaced by A.
Protein change: p.Arg439Gln; replaces arginine 439 with glutamine.
Molecular consequence: missense variant.
Genome position (GRCh38, 1-based): chr15:48,244,768, G>A. VCF-style: chr15-48244768-G-A. GRCh37 (hg19) VCF-style: chr15-48536965-G-A.
Other names: c.1316G>A, p.Arg439Gln (NM_001184832.2, NM_001384136.1); short protein forms R439Q.
Identifiers: ClinVar variation 1343249 (VCV001343249.11), dbSNP rs780619649, ClinGen allele CA7547060.

ClinVar aggregate classification (germline): Pathogenic/Likely pathogenic. Review status: criteria provided, multiple submitters, no conflicts (2 of 4 stars). 5 submissions from 5 submitters: Pathogenic (3); Likely pathogenic (2). Last evaluated 2025-03-10.

Conditions:
SLC12A1-related disorder. Also called: SLC12A1-related condition.
Bartter disease type 1. Also called: Bartter Syndrome type 1; HYPOKALEMIC ALKALOSIS WITH HYPERCALCIURIA 1, ANTENATAL; Bartter syndrome, type 1, antenatal; HYPERPROSTAGLANDIN E SYNDROME 1. Identifiers: Orphanet 112, Orphanet 620217, MedGen C1866495, MONDO:0100344, OMIM 601678, MONDO:0011127.

Allele frequency attached by ClinVar (database versions not stated): gnomAD exomes 0.00003 and 0.00002; ExAC 0.00001; gnomAD 0.00001; TOPMed 0.00001.
gnomAD v4.1: 40 of 1,613,926 alleles (0.0025%); highest among the groups gnomAD compares: South Asian, 0.0099%; no homozygotes.

Submissions (5):

3billion
Classification: Pathogenic for Bartter disease type 1. Last evaluated: 2025-03-10. Review status: criteria provided, single submitter. Criteria: ACMG Guidelines, 2015. Collection method: clinical testing. Allele origin: germline. Affected: yes.
Comment: The variant is observed at an extremely low frequency in the gnomAD v4.1.0 dataset (total allele frequency: 0.002%). Predicted Consequence/Location: Missense variant. The majority of the known disease-causing variants of this gene are variants expected to result in premature termination of the protein. The variant was homozygous. In silico tool predictions suggest damaging effect of the variant on gene or gene product [REVEL: 0.95 (>=0.6, sensitivity 0.68 and specificity 0.92); 3Cnet: 0.99 (> 0.75, sensitivity 0.96 and precision 0.92)]. The same nucleotide change resulting in the same amino acid change has been previously reported as pathogenic/likely pathogenic with strong evidence (ClinVar ID: VCV001343249 / PMID: 26633542). The variant has been observed in at least two similarly affected unrelated individuals (PMID: 29942493, 31625567). Therefore, this variant is classified as Pathogenic according to the recommendation of ACMG/AMP guideline.

Labcorp Genetics (formerly Invitae), Labcorp
Classification: Pathogenic. Last evaluated: 2024-06-03. Review status: criteria provided, single submitter. Criteria: Invitae Variant Classification Sherloc (09022015). Collection method: clinical testing. Allele origin: germline.
Comment: This sequence change replaces arginine, which is basic and polar, with glutamine, which is neutral and polar, at codon 439 of the SLC12A1 protein (p.Arg439Gln). This variant is present in population databases (rs780619649, gnomAD 0.006%). This missense change has been observed in individuals with clinical features of Bartter syndrome (PMID: 29942493, 31625567; Invitae). It has also been observed to segregate with disease in related individuals. ClinVar contains an entry for this variant (Variation ID: 1343249). Advanced modeling of protein sequence and biophysical properties (such as structural, functional, and spatial information, amino acid conservation, physicochemical variation, residue mobility, and thermodynamic stability) has been performed at Invitae for this missense variant, however the output from this modeling did not meet the statistical confidence thresholds required to predict the impact of this variant on SLC12A1 protein function. For these reasons, this variant has been classified as Pathogenic.

Fulgent Genetics
Classification: Likely pathogenic for Bartter disease type 1. Last evaluated: 2024-05-21. Review status: criteria provided, single submitter. Criteria: ACMG Guidelines, 2015. Collection method: clinical testing. Allele origin: germline.

Institute of Human Genetics, Clinical Exome/Genome Diagnostics Group, University Hospital Bonn
Classification: Likely pathogenic for Bartter disease type 1. Last evaluated: 2022-01-24. Review status: criteria provided, single submitter. Criteria: ACMG Guidelines, 2015. Collection method: clinical testing. Allele origin: biparental. Affected: yes.
Comment: PS1, PM2, PP3

Blueprint Genetics
Classification: Pathogenic for SLC12A1-related disorders. Last evaluated: 2021-02-02. Review status: criteria provided, single submitter. Criteria: ACMG Guidelines, 2015. Collection method: clinical testing. Allele origin: germline. Affected: yes. Observed: 2 variant alleles.

Literature cited by the submitters: PubMed 29942493 (cited by 3billion and Labcorp Genetics (formerly Invitae), Labcorp); PubMed 31625567 (cited by 3billion and Labcorp Genetics (formerly Invitae), Labcorp); PubMed 26633542 (cited by 3billion).